The following is an entry in ClinVar:

ClinVar aggregate classification (germline): other (0 of 4 stars; one submission).

Conditions:
Familial colorectal cancer. Identifiers: MedGen CN280943, MONDO:0023113. Disease mechanism: loss of function.

Submission:

Systems Biology Platform Zhejiang California International NanoSystems Institute
Classification: other for Familial colorectal cancer. Review status: no assertion criteria provided. Collection method: not provided. Allele origin: unknown.
ClinVar note: Converted during submission from cancer to other.

NM_000038.6(APC):c.1908T>G (p.Gly636=)

Gene: APC (APC regulator of WNT signaling pathway; plus strand). Cytogenetic location: 5q22.2.
Variant type: single nucleotide variant.
Coding change: c.1908T>G on transcript NM_000038.6 (MANE Select); coding-DNA position 1908, T replaced by G.
Protein change: p.Gly636=; no amino-acid change (glycine 636 retained).
Molecular consequence: synonymous variant.
Genome position (GRCh38, 1-based): chr5:112,835,115, T>G. VCF-style: chr5-112835115-T-G. GRCh37 (hg19) VCF-style: chr5-112170812-T-G.
Other names: c.1908T>G, p.Gly636= (NM_001127510.3, NM_001354895.2); c.1854T>G, p.Gly618= (NM_001127511.3); c.1962T>G, p.Gly654= (NM_001354896.2); c.1938T>G, p.Gly646= (NM_001354897.2); c.1833T>G, p.Gly611= (NM_001354898.2); c.1824T>G, p.Gly608= (NM_001354899.2); c.1785T>G, p.Gly595= (NM_001354900.2); c.1731T>G, p.Gly577= (NM_001354901.2); and 5 more.
Identifiers: ClinVar variation 82614 (VCV000082614.2), dbSNP rs79015778, ClinGen allele CA006300.